The following is an entry in ClinVar:

ClinVar aggregate classification (germline): Uncertain significance (1 of 4 stars; one submission).

Conditions:
JAG1-related disorder. Also called: JAG1-related condition; JAG1-related disorders.

Submission:

PreventionGenetics, part of Exact Sciences
Classification: Uncertain significance for JAG1-related condition. Last evaluated: 2026-07-05. Review status: criteria provided, single submitter. Criteria: ACMG Guidelines, 2015. Collection method: clinical testing. Allele origin: germline.
Comment: The JAG1 c.2938T>A variant is predicted to result in the amino acid substitution p.Cys980Ser. To our knowledge, this variant has not been reported in the literature or in a large population database (gnomAD), indicating this variant is rare. At this time, the clinical significance of this variant is uncertain due to the absence of conclusive functional and genetic evidence.

NM_000214.3(JAG1):c.2938T>A (p.Cys980Ser)

Gene: JAG1 (jagged canonical Notch ligand 1; minus strand). Cytogenetic location: 20p12.2.
Variant type: single nucleotide variant.
Coding change: c.2938T>A on transcript NM_000214.3 (MANE Select); coding-DNA position 2938, T replaced by A.
Protein change: p.Cys980Ser; replaces cysteine 980 with serine.
Molecular consequence: missense variant.
Genome position (GRCh38, 1-based): chr20:10,641,223, A>T on the plus strand (T>A on the coding strand, the complement: JAG1 is on the minus strand). VCF-style: chr20-10641223-A-T. GRCh37 (hg19) VCF-style: chr20-10621871-A-T.
Other names: short protein forms C980S.
Identifiers: ClinVar variation 4994018 (VCV004994018.1).
Genomic context (GRCh38, chr20:10,641,223, plus strand): 5'-TGTAGATTGAATATTCAGCGGAAACATTCTTCAAAATATTCAAATTCCTCAATTCACTGC[A>T]AATGTGCTCCGTAGTAAGACCCTAAAACGATTTTTAAAAACCCACACACGTGTAAGATTG-3'
Protein context (NP_000205.1, residues 970-990): MSPGLTTEHI[Cys980Ser]SELRNLNILK